The following is an entry in ClinVar:

NM_014795.4(ZEB2):c.3166C>T (p.Gln1056Ter)

Gene: ZEB2 (zinc finger E-box binding homeobox 2; minus strand). Cytogenetic location: 2q22.3.
Variant type: single nucleotide variant.
Coding change: c.3166C>T on transcript NM_014795.4 (MANE Select); coding-DNA position 3166, C replaced by T.
Protein change: p.Gln1056Ter; replaces glutamine 1056 with a stop codon.
Molecular consequence: nonsense.
Genome position (GRCh38, 1-based): chr2:144,389,930, G>A on the plus strand (C>T on the coding strand, the complement: ZEB2 is on the minus strand). VCF-style: chr2-144389930-G-A. GRCh37 (hg19) VCF-style: chr2-145147497-G-A.
Other names: c.3094C>T, p.Gln1032Ter (NM_001171653.2); short protein forms Q1032*, Q1056*.
Identifiers: ClinVar variation 2101413 (VCV002101413.4), dbSNP rs2549101927, ClinGen allele CA348700729.
Genomic context (GRCh38, chr2:144,389,930, plus strand): 5'-GATTCATGTGCTGCGAGTACGAGCCCGAGTGTGAGAAGCGCTTGCCACATTTATCACACT[G>A]ATAGGGCTTCTCGCCCGAGTGAAGCCTTGAGTGCTCGATAAGGTGGTGCTTGTGTTTAAA-3'

ClinVar aggregate classification (germline): Pathogenic (1 of 4 stars; one submission).

Conditions:
Mowat-Wilson syndrome (MOWS). Also called: Classic Mowat-Wilson Syndrome. Identifiers: Orphanet 2152, MedGen C1856113, MONDO:0009341, OMIM 235730.

Submission:

Labcorp Genetics (formerly Invitae), Labcorp
Classification: Pathogenic for Mowat-Wilson syndrome. Last evaluated: 2022-02-22. Review status: criteria provided, single submitter. Criteria: Invitae Variant Classification Sherloc (09022015). Collection method: clinical testing. Allele origin: germline.
Comment: For these reasons, this variant has been classified as Pathogenic. This variant disrupts a region of the ZEB2 protein in which other variant(s) (p.His1066Glnfs*56) have been determined to be pathogenic (Invitae). This suggests that this is a clinically significant region of the protein, and that variants that disrupt it are likely to be disease-causing. This variant has not been reported in the literature in individuals affected with ZEB2-related conditions. This variant is not present in population databases (gnomAD no frequency). This sequence change creates a premature translational stop signal (p.Gln1056*) in the ZEB2 gene. While this is not anticipated to result in nonsense mediated decay, it is expected to disrupt the last 159 amino acid(s) of the ZEB2 protein.